The following is an entry in ClinVar:

ClinVar aggregate classification (germline): Conflicting classifications of pathogenicity. Review status: criteria provided, conflicting classifications (1 of 4 stars). 2 submissions from 2 submitters: Uncertain significance (1); Likely benign (1). Last evaluated 2025-01-11.

Conditions:
Hereditary cancer-predisposing syndrome. Also called: Neoplastic Syndromes, Hereditary; Tumor predisposition; Hereditary Cancer Syndrome; Hereditary neoplastic syndrome. Identifiers: Orphanet 140162, MedGen C0027672, MeSH D009386, MONDO:0015356.
Neuroblastoma, susceptibility to, 3. Also called: ALK-Related Neuroblastic Tumor Susceptibility. Identifiers: Orphanet 635, MedGen C2751681, MONDO:0013083, OMIM 613014.

Allele frequency attached by ClinVar (database versions not stated): gnomAD exomes below 0.00001.
gnomAD v4.1: 7 of 1,614,122 alleles (0.00043%); highest among the groups gnomAD compares: Middle Eastern, 0.017%; no homozygotes.

Submissions (2):

Ambry Genetics
Classification: Uncertain significance for Hereditary cancer-predisposing syndrome. Last evaluated: 2025-01-11. Review status: criteria provided, single submitter. Criteria: Ambry Variant Classification Scheme 2023. Collection method: clinical testing. Allele origin: germline.
Comment: The c.1488C>G variant (also known as p.P496P), located in coding exon 7 of the ALK gene, results from a C to G substitution at nucleotide position 1488. This nucleotide substitution does not change the proline at codon 496. This nucleotide position is well conserved in available vertebrate species. In silico splice site analysis for this alteration is inconclusive. Based on the available evidence, the clinical significance of this variant remains unclear.

Labcorp Genetics (formerly Invitae), Labcorp
Classification: Likely benign for Neuroblastoma, susceptibility to, 3. Last evaluated: 2024-04-29. Review status: criteria provided, single submitter. Criteria: Invitae Variant Classification Sherloc (09022015). Collection method: clinical testing. Allele origin: germline.

NM_004304.5(ALK):c.1488C>G (p.Pro496=)

Gene: ALK (ALK receptor tyrosine kinase; minus strand). Cytogenetic location: 2p23.2.
Variant type: single nucleotide variant.
Coding change: c.1488C>G on transcript NM_004304.5 (MANE Select); coding-DNA position 1488, C replaced by G.
Protein change: p.Pro496=; no amino-acid change (proline 496 retained).
Molecular consequence: synonymous variant.
Genome position (GRCh38, 1-based): chr2:29,320,809, G>C on the plus strand (C>G on the coding strand, the complement: ALK is on the minus strand). VCF-style: chr2-29320809-G-C. GRCh37 (hg19) VCF-style: chr2-29543675-G-C.
Other names: c.1488C>G (NM_004304.4).
Identifiers: ClinVar variation 1129814 (VCV001129814.10), dbSNP rs1189878579, ClinGen allele CA425435630.